The following is an entry in ClinVar:

ClinVar aggregate classification (germline): Uncertain significance. Review status: criteria provided, single submitter (1 of 4 stars). 2 submissions from 2 submitters: Uncertain significance (1). 1 of the submissions does not count toward it. Last evaluated 2024-09-11.

Conditions:
Craniofacial microsomia 1 (CFM1). Also called: Hemifacial microsomia. Identifiers: Orphanet 374, MedGen C3495417, MONDO:0958175, OMIM 164210.

Allele frequency attached by ClinVar (database versions not stated): gnomAD exomes below 0.00001; TOPMed 0.00001.

Submissions (2):

Labcorp Genetics (formerly Invitae), Labcorp
Classification: Uncertain significance. Last evaluated: 2024-09-11. Review status: criteria provided, single submitter. Criteria: Invitae Variant Classification Sherloc (09022015). Collection method: clinical testing. Allele origin: germline.
Comment: This sequence change replaces arginine, which is basic and polar, with glutamine, which is neutral and polar, at codon 238 of the FOXI3 protein (p.Arg238Gln). This variant is present in population databases (no rsID available, gnomAD 0.01%). This missense change has been observed in individual(s) with craniofacial microsomia (PMID: 37041148). ClinVar contains an entry for this variant (Variation ID: 2431341). Algorithms developed to predict the effect of variants on gene product structure and function are not available or were not evaluated for this variant. Experimental studies have shown that this missense change affects FOXI3 function (PMID: 37041148). In summary, the available evidence is currently insufficient to determine the role of this variant in disease. Therefore, it has been classified as a Variant of Uncertain Significance.

ZhangYB Lab, Beihang University
Classification: Likely pathogenic for Craniofacial microsomia 1. Last evaluated: 2022-03-06. Review status: no assertion criteria provided. Collection method: research. Allele origin: germline. Inheritance: Autosomal dominant inheritance. Affected: yes. Observed: 1 heterozygote. Not counted in ClinVar's aggregate classification.
Comment: The Arg238Gln variant was identified from two male craniofacial microsomia patients, and in vitro experiments showed that the Arg240His variant could decrease the transactivation of FOXI3, and affect the entry of FOXI3 into the nucleus.

Literature cited by the submitters: PubMed 37041148 (cited by Labcorp Genetics (formerly Invitae), Labcorp).

NM_001135649.3(FOXI3):c.713G>A (p.Arg238Gln)

Gene: FOXI3 (forkhead box I3; minus strand). Cytogenetic location: 2p11.2.
Variant type: single nucleotide variant.
Coding change: c.713G>A on transcript NM_001135649.3 (MANE Select); coding-DNA position 713, G replaced by A.
Protein change: p.Arg238Gln; replaces arginine 238 with glutamine.
Molecular consequence: missense variant.
Genome position (GRCh38, 1-based): chr2:88,448,757, C>T on the plus strand (G>A on the coding strand, the complement: FOXI3 is on the minus strand). VCF-style: chr2-88448757-C-T. GRCh37 (hg19) VCF-style: chr2-88748276-C-T.
Other names: short protein forms R238Q.
Identifiers: ClinVar variation 2431341 (VCV002431341.4), dbSNP rs923448937, ClinGen allele CA51943864.